The following is an entry in ClinVar:

ClinVar aggregate classification (germline): Uncertain significance (1 of 4 stars; one submission).

Conditions:
Developmental and epileptic encephalopathy, 2 (DEE2). Also called: CDKL5 deficiency disorder; INFANTILE SPASM SYNDROME, X-LINKED 2. Identifiers: Orphanet 1934, Orphanet 3451, Orphanet 505652, MedGen C4750718, MONDO:0010396, OMIM 300672.
Angelman syndrome-like. Identifiers: MedGen CN128785.

Submission:

Labcorp Genetics (formerly Invitae), Labcorp
Classification: Uncertain significance for Developmental and epileptic encephalopathy, 2; Angelman syndrome-like. Last evaluated: 2024-07-10. Review status: criteria provided, single submitter. Criteria: Invitae Variant Classification Sherloc (09022015). Collection method: clinical testing. Allele origin: germline.
Comment: This sequence change replaces serine, which is neutral and polar, with proline, which is neutral and non-polar, at codon 557 of the CDKL5 protein (p.Ser557Pro). This variant is not present in population databases (gnomAD no frequency). This variant has not been reported in the literature in individuals affected with CDKL5-related conditions. Advanced modeling of protein sequence and biophysical properties (such as structural, functional, and spatial information, amino acid conservation, physicochemical variation, residue mobility, and thermodynamic stability) performed at Invitae indicates that this missense variant is not expected to disrupt CDKL5 protein function with a negative predictive value of 95%. In summary, the available evidence is currently insufficient to determine the role of this variant in disease. Therefore, it has been classified as a Variant of Uncertain Significance.

NM_001323289.2(CDKL5):c.1669T>C (p.Ser557Pro)

Gene: CDKL5 (cyclin dependent kinase like 5; plus strand). Cytogenetic location: Xp22.13.
Variant type: single nucleotide variant.
Coding change: c.1669T>C on transcript NM_001323289.2 (MANE Select); coding-DNA position 1669, T replaced by C.
Protein change: p.Ser557Pro; replaces serine 557 with proline.
Molecular consequence: missense variant.
Genome position (GRCh38, 1-based): chrX:18,604,593, T>C. VCF-style: chrX-18604593-T-C. GRCh37 (hg19) VCF-style: chrX-18622713-T-C.
Other names: c.1669T>C, p.Ser557Pro (NM_001037343.2, NM_003159.3); short protein forms S557P.
Identifiers: ClinVar variation 3753775 (VCV003753775.2).